The following is an entry in ClinVar:

NM_001377142.1(PLCB4):c.*811T>C

Gene: PLCB4 (phospholipase C beta 4; plus strand). Cytogenetic location: 20p12.2.
Variant type: single nucleotide variant.
Coding change: c.*811T>C on transcript NM_001377142.1 (MANE Select); 811 bases downstream of the stop codon, T replaced by C.
Molecular consequence: 3 prime UTR variant.
Genome position (GRCh38, 1-based): chr20:9,479,820, T>C. VCF-style: chr20-9479820-T-C. GRCh37 (hg19) VCF-style: chr20-9460467-T-C.
Other names: c.*811T>C (NM_000933.4, NM_001377134.2, NM_001377135.1 and 1 more transcripts); c.*831T>C (NM_001172646.2, NM_001377136.1, NM_182797.3).
Identifiers: ClinVar variation 896233 (VCV000896233.4), dbSNP rs551303407, ClinGen allele CA311282797.

ClinVar aggregate classification (germline): Benign (1 of 4 stars; one submission).

Conditions:
Auriculocondylar syndrome 2 (ARCND2A). Also called: AURICULOCONDYLAR SYNDROME 2A. Identifiers: Orphanet 137888, MedGen C3553404, MONDO:0013845, OMIM 614669.

Allele frequency attached by ClinVar (database versions not stated): gnomAD 0.00029; TOPMed 0.00032; 1000 Genomes Project 0.00060; 1000 Genomes Project 30x 0.00062.
gnomAD v4.1: 43 of 152,728 alleles (0.028%); highest among the groups gnomAD compares: African/African-American, 0.099%; no homozygotes.

Submission:

Illumina Laboratory Services, Illumina
Classification: Benign for Auriculocondylar syndrome 2. Last evaluated: 2018-01-13. Review status: criteria provided, single submitter. Criteria: ICSL Variant Classification Criteria 13 December 2019. Collection method: clinical testing. Allele origin: germline.
Comment: This variant was observed in the ICSL laboratory as part of a predisposition screen in an ostensibly healthy population. It had not been previously curated by ICSL or reported in the Human Gene Mutation Database (HGMD: prior to June 1st, 2018), and was therefore a candidate for classification through an automated scoring system. Utilizing variant allele frequency, disease prevalence and penetrance estimates, and inheritance mode, an automated score was calculated to assess if this variant is too frequent to cause the disease. Based on the score and internal cut-off values, a variant classified as benign is not then subjected to further curation. The score for this variant resulted in a classification of benign for this disease.